The following is an entry in ClinVar:

ClinVar aggregate classification (germline): Uncertain significance (1 of 4 stars; one submission).

Conditions:
Familial adenomatous polyposis 1 (FAP1). Also called: FAMILIAL ADENOMATOUS POLYPOSIS 1, ATTENUATED; POLYPOSIS, ADENOMATOUS INTESTINAL. Identifiers: MedGen C2713442, MONDO:0021056, OMIM 175100. Disease mechanism: loss of function.

Submission:

Labcorp Genetics (formerly Invitae), Labcorp
Classification: Uncertain significance for Familial adenomatous polyposis 1. Last evaluated: 2021-07-26. Review status: criteria provided, single submitter. Criteria: Invitae Variant Classification Sherloc (09022015). Collection method: clinical testing. Allele origin: germline.
Comment: In summary, the available evidence is currently insufficient to determine the role of this variant in disease. Therefore, it has been classified as a Variant of Uncertain Significance. Algorithms developed to predict the effect of sequence changes on RNA splicing suggest that this variant may create or strengthen a splice site. Algorithms developed to predict the effect of missense changes on protein structure and function output the following: SIFT: "Tolerated"; PolyPhen-2: "Benign"; Align-GVGD: "Class C0". The serine amino acid residue is found in multiple mammalian species, which suggests that this missense change does not adversely affect protein function. This variant has not been reported in the literature in individuals affected with APC-related conditions. This variant is not present in population databases (ExAC no frequency). This sequence change replaces threonine with serine at codon 934 of the APC protein (p.Thr934Ser). The threonine residue is moderately conserved and there is a small physicochemical difference between threonine and serine.

NM_000038.6(APC):c.2801C>G (p.Thr934Ser)

Gene: APC (APC regulator of Wnt signaling pathway; plus strand). Cytogenetic location: 5q22.2.
Variant type: single nucleotide variant.
Coding change: c.2801C>G on transcript NM_000038.6 (MANE Select); coding-DNA position 2801, C replaced by G.
Protein change: p.Thr934Ser; replaces threonine 934 with serine.
Molecular consequence: missense variant.
Genome position (GRCh38, 1-based): chr5:112,838,395, C>G. VCF-style: chr5-112838395-C-G. GRCh37 (hg19) VCF-style: chr5-112174092-C-G.
Other names: c.2801C>G, p.Thr934Ser (NM_001127510.3, NM_001354895.2); c.2747C>G, p.Thr916Ser (NM_001127511.3); c.2855C>G, p.Thr952Ser (NM_001354896.2); c.2831C>G, p.Thr944Ser (NM_001354897.2); c.2726C>G, p.Thr909Ser (NM_001354898.2); c.2717C>G, p.Thr906Ser (NM_001354899.2); c.2678C>G, p.Thr893Ser (NM_001354900.2); c.2624C>G, p.Thr875Ser (NM_001354901.2); and 5 more; short protein forms T875S, T944S, T651S, T808S, T843S, T893S, T916S, T934S.
Identifiers: ClinVar variation 1501225 (VCV001501225.6), dbSNP rs1561579756, ClinGen allele CA16027440.